The following is an entry in ClinVar:

ClinVar aggregate classification (germline): Uncertain significance (1 of 4 stars; one submission).

Submission:

GeneDx
Classification: Uncertain significance. Last evaluated: 2023-04-12. Review status: criteria provided, single submitter. Criteria: GeneDx Variant Classification Process June 2021. Collection method: clinical testing. Allele origin: germline. Affected: yes.
Comment: Not observed at significant frequency in large population cohorts (gnomAD); Frameshift variant predicted to result in protein truncation or nonsense mediated decay in a gene for which loss of function is a known mechanism of disease; Has not been previously published as pathogenic or benign to our knowledge

NM_001135651.3(EIF2AK2):c.1099del (p.Glu367fs)

Gene: EIF2AK2 (eukaryotic translation initiation factor 2 alpha kinase 2; minus strand). Cytogenetic location: 2p22.2.
Variant type: Deletion.
Coding change: c.1099del on transcript NM_001135651.3 (MANE Select); coding-DNA position 1099, one base deleted (G; older notation c.1099delG).
Protein change: p.Glu367fs; shifts the reading frame from glutamic acid 367.
Molecular consequence: frameshift variant.
Genome position (GRCh38, 1-based): chr2:37,120,108, C deleted on the plus strand (G on the coding strand, the reverse complement: EIF2AK2 is on the minus strand); the first of 2 consecutive C bases (chr2:37,120,108-37,120,109); deleting either gives the same sequence. VCF-style (leftmost placement, unchanged base first): chr2-37120107-TC-T. GRCh37 (hg19) VCF-style: chr2-37347250-TC-T.
Other names: c.975delG, p.Glu326Asnfs (NM_001135652.3); c.1099del, p.Glu367fs (NM_002759.4); short protein forms E326fs, E367fs.
Identifiers: ClinVar variation 3343107 (VCV003343107.1).
Genomic context (GRCh38, chr2:37,120,107, plus strand): 5'-TCTAGTTTCTCGCCTCTTCTTTTTTCAATCCATTGTTCCAAGGTCCCTTTATCACAGAAT[TC>T]CATTTGGATGAAAAGGCACTTAGTCTTTGACCTGGGTATAAAATTCACAGTATGTTAAAA-3'